The following is an entry in ClinVar:

NM_022124.6(CDH23):c.386C>T (p.Ala129Val)

Genes: CDH23 (cadherin related 23; plus strand), CDH23-AS1 (CDH23 antisense RNA 1; minus strand). Cytogenetic location: 10q22.1.
Variant type: single nucleotide variant.
Coding change: c.386C>T on transcript NM_022124.6 (MANE Select); coding-DNA position 386, C replaced by T.
Protein change: p.Ala129Val; replaces alanine 129 with valine.
Molecular consequence: missense variant.
Genome position (GRCh38, 1-based): chr10:71,511,169, C>T. VCF-style: chr10-71511169-C-T. GRCh37 (hg19) VCF-style: chr10-73270926-C-T.
Other names: c.386C>T, p.Ala129Val (NM_001171930.2, NM_001171931.2, NM_001171932.2 and 1 more transcripts); short protein forms A129V.
Identifiers: ClinVar variation 300400 (VCV000300400.10), dbSNP rs183046743, ClinGen allele CA5543403.

ClinVar aggregate classification (germline): Uncertain significance. Review status: criteria provided, multiple submitters, no conflicts (2 of 4 stars). 6 submissions from 5 submitters: Uncertain significance (5). 1 of the submissions does not count toward it. Last evaluated 2025-02-12.

Conditions:
Usher syndrome type 1 (USH1). Also called: RETINITIS PIGMENTOSA AND CONGENITAL DEAFNESS. Identifiers: Orphanet 231169, Orphanet 886, MedGen C1568247, MONDO:0010168, OMIM 276900.
Autosomal recessive nonsyndromic hearing loss 12. Also called: DEAFNESS, AUTOSOMAL RECESSIVE 12. Identifiers: Orphanet 90636, MedGen C1832394, MONDO:0011067, OMIM 601386.
Usher syndrome type 1D (USH1D). Also called: USHER SYNDROME, TYPE ID. Identifiers: Orphanet 231169, Orphanet 886, MedGen C1832845, MONDO:0010984, OMIM 601067.

Allele frequency attached by ClinVar (database versions not stated): ExAC 0.00006; TOPMed 0.00006; gnomAD exomes 0.00007 and 0.00005; ESP Exome Variant Server 0.00008; gnomAD 0.00009; 1000 Genomes Project 30x 0.00031; 1000 Genomes Project 0.00040.
gnomAD v4.1: 98 of 1,613,652 alleles (0.0061%); highest among the groups gnomAD compares: East Asian, 0.045%; no homozygotes.

Submissions (6):

GeneDx
Classification: Uncertain significance. Last evaluated: 2025-02-12. Review status: criteria provided, single submitter. Criteria: GeneDx Variant Classification Process June 2021. Collection method: clinical testing. Allele origin: germline. Affected: yes.
Comment: Reported in a patient with inherited retinal disease in published literature (PMID: 27898983); In silico analysis indicates that this missense variant does not alter protein structure/function; This variant is associated with the following publications: (PMID: 27898983)

Labcorp Genetics (formerly Invitae), Labcorp
Classification: Uncertain significance. Last evaluated: 2025-01-06. Review status: criteria provided, single submitter. Criteria: Invitae Variant Classification Sherloc (09022015). Collection method: clinical testing. Allele origin: germline.
Comment: This sequence change replaces alanine, which is neutral and non-polar, with valine, which is neutral and non-polar, at codon 129 of the CDH23 protein (p.Ala129Val). This variant is present in population databases (rs183046743, gnomAD 0.04%). This variant has not been reported in the literature in individuals affected with CDH23-related conditions. ClinVar contains an entry for this variant (Variation ID: 300400). Invitae Evidence Modeling of protein sequence and biophysical properties (such as structural, functional, and spatial information, amino acid conservation, physicochemical variation, residue mobility, and thermodynamic stability) has been performed for this missense variant. However, the output from this modeling did not meet the statistical confidence thresholds required to predict the impact of this variant on CDH23 protein function. In summary, the available evidence is currently insufficient to determine the role of this variant in disease. Therefore, it has been classified as a Variant of Uncertain Significance.

Illumina Laboratory Services, Illumina
Classification: Uncertain significance for Usher syndrome type 1D. Last evaluated: 2018-01-13. Review status: criteria provided, single submitter. Criteria: ICSL Variant Classification Criteria 13 December 2019. Collection method: clinical testing. Allele origin: germline.

Illumina Laboratory Services, Illumina
Classification: Uncertain significance for Autosomal recessive nonsyndromic hearing loss 12. Last evaluated: 2018-01-13. Review status: criteria provided, single submitter. Criteria: ICSL Variant Classification Criteria 13 December 2019. Collection method: clinical testing. Allele origin: germline.

Breakthrough Genomics
Classification: Uncertain significance. Review status: criteria provided, single submitter. Criteria: ACMG Guidelines, 2015. Collection method: not provided. Allele origin: germline. Inheritance: Autosomal recessive inheritance. Affected: yes.

Natera, Inc.
Classification: Uncertain significance for Usher syndrome type 1. Last evaluated: 2020-04-11. Review status: no assertion criteria provided. Collection method: clinical testing. Allele origin: germline. Not counted in ClinVar's aggregate classification.